The following is an entry in ClinVar:

ClinVar aggregate classification (germline): not provided (0 of 4 stars; one submission).

Allele frequency attached by ClinVar (database versions not stated): TOPMed 0.00002; ExAC 0.00004.
gnomAD v4.1: 13 of 1,589,886 alleles (0.00082%); highest among the groups gnomAD compares: South Asian, 0.0066%; 1 homozygote.

Submission:

Human Evolutionary Genetics, Institut Pasteur
No classification provided. Review status: no classification provided. Collection method: not provided. Allele origin: germline.
ClinVar note: Converted during submission from untested to not provided.

NM_001276700.2(NLRP6):c.2078G>A (p.Arg693Gln)

Gene: NLRP6 (NLR family pyrin domain containing 6; plus strand). Cytogenetic location: 11p15.5.
Variant type: single nucleotide variant.
Coding change: c.2078G>A on transcript NM_001276700.2 (MANE Select); coding-DNA position 2078, G replaced by A.
Protein change: p.Arg693Gln; replaces arginine 693 with glutamine.
Molecular consequence: missense variant.
Genome position (GRCh38, 1-based): chr11:281,812, G>A. VCF-style: chr11-281812-G-A. GRCh37 (hg19) VCF-style: chr11-281812-G-A.
Other names: c.2078G>A, p.Arg693Gln (NM_138329.2); short protein forms R693Q.
Identifiers: ClinVar variation 103235 (VCV000103235.2), dbSNP rs199475810, ClinGen allele CA230298.
Genomic context (GRCh38, chr11:281,812, plus strand): 5'-GGCTGATCAGCTGCAGATTGGTTGCTGCGCAGGAGAAGAAGAAGAAGAGCCTGGGGAAGC[G>A]GCTCCAGGCCAGCCTGGGTGGCGGCAGGTGCGTCTCCAGGGCAGAGATACTCTCTTGTGT-3'
Protein context (NP_001263629.1, residues 683-703): QEKKKKSLGK[Arg693Gln]LQASLGGGSS